The following is an entry in ClinVar:

ClinVar aggregate classification (germline): Uncertain significance (1 of 4 stars; one submission).

Submission:

Ambry Genetics
Classification: Uncertain significance. Last evaluated: 2023-09-14. Review status: criteria provided, single submitter. Criteria: Ambry Variant Classification Scheme 2023. Collection method: clinical testing. Allele origin: germline.
Comment: The p.E924D variant (also known as c.2772A>C), located in coding exon 15 of the PALLD gene, results from an A to C substitution at nucleotide position 2772. The glutamic acid at codon 924 is replaced by aspartic acid, an amino acid with highly similar properties. This amino acid position is conserved. In addition, the in silico prediction for this alteration is inconclusive. Since supporting evidence is limited at this time, the clinical significance of this alteration remains unclear.

NM_001166108.2(PALLD):c.2823A>C (p.Glu941Asp)

Genes: CBR4 (carbonyl reductase 4; minus strand), PALLD (palladin, cytoskeletal associated protein; plus strand). Cytogenetic location: 4q32.3.
Variant type: single nucleotide variant.
Coding change: c.2823A>C on transcript NM_001166108.2 (MANE Select); coding-DNA position 2823, A replaced by C.
Protein change: p.Glu941Asp; replaces glutamic acid 941 with aspartic acid.
Molecular consequence: missense variant.
Genome position (GRCh38, 1-based): chr4:168,916,000, A>C. VCF-style: chr4-168916000-A-C. GRCh37 (hg19) VCF-style: chr4-169837151-A-C.
Other names: c.1626A>C, p.Glu542Asp (NM_001166109.2); c.1311A>C, p.Glu437Asp (NM_001166110.2); c.651A>C, p.Glu217Asp (NM_001367567.1, NM_001367569.1); c.702A>C, p.Glu234Asp (NM_001367568.1, NM_001367570.1); c.2772A>C, p.Glu924Asp (NM_016081.4); short protein forms E437D, E924D, E217D, E234D, E542D, E941D.
Identifiers: ClinVar variation 2625574 (VCV002625574.2), dbSNP rs2534080262, ClinGen allele CA358706912.